The following is an entry in ClinVar:

ClinVar aggregate classification (germline): Pathogenic (1 of 4 stars; one submission).

Submission:

GeneDx
Classification: Pathogenic. Last evaluated: 2019-07-09. Review status: criteria provided, single submitter. Criteria: GeneDx Variant Classification Process June 2021. Collection method: clinical testing. Allele origin: germline. Affected: yes.
Comment: Frameshift variant predicted to result in protein truncation or nonsense mediated decay in a gene for which loss-of-function is a known mechanism of disease; Not observed in large population cohorts (Lek et al., 2016); Has not been previously published as pathogenic or benign to our knowledge

NM_017780.4(CHD7):c.6754del (p.Glu2252fs)

Gene: CHD7 (chromodomain helicase DNA binding protein 7; plus strand). Cytogenetic location: 8q12.2.
Variant type: Deletion.
Coding change: c.6754del on transcript NM_017780.4 (MANE Select); coding-DNA position 6754, one base deleted (G; older notation c.6754delG).
Protein change: p.Glu2252fs; shifts the reading frame from glutamic acid 2252.
Molecular consequence: frameshift variant. On other transcripts: intron variant (1).
Genome position (GRCh38, 1-based): chr8:60,853,479, G deleted; the last of 2 consecutive G bases (chr8:60,853,478-60,853,479); deleting either gives the same sequence. VCF-style (leftmost placement, unchanged base first): chr8-60853477-CG-C. GRCh37 (hg19) VCF-style: chr8-61766036-CG-C.
Other names: c.1717-8750del (NM_001316690.1); c.6754delG (NM_017780.2); c.6754del (LRG_176t1); short protein forms E2252fs.
Identifiers: ClinVar variation 279763 (VCV000279763.3), dbSNP rs886041170, ClinGen allele CA10603121.